The following is an entry in ClinVar:

NM_001105206.3(LAMA4):c.188C>T (p.Ala63Val)

Genes: LAMA4 (laminin subunit alpha 4; minus strand), LAMA4-AS1 (LAMA4 antisense RNA 1; plus strand). Cytogenetic location: 6q21.
Variant type: single nucleotide variant.
Coding change: c.188C>T on transcript NM_001105206.3 (MANE Select); coding-DNA position 188, C replaced by T.
Protein change: p.Ala63Val; replaces alanine 63 with valine.
Molecular consequence: missense variant.
Genome position (GRCh38, 1-based): chr6:112,253,963, G>A on the plus strand (C>T on the coding strand, the complement: LAMA4 is on the minus strand). VCF-style: chr6-112253963-G-A. GRCh37 (hg19) VCF-style: chr6-112575165-G-A.
Other names: c.188C>T, p.Ala63Val (NM_001105207.3, NM_001105208.3, NM_001105209.3 and 1 more transcripts); c.188C>T (NM_002290.3); short protein forms A63V.
Identifiers: ClinVar variation 978755 (VCV000978755.11), dbSNP rs370868386, ClinGen allele CA3966321.

ClinVar aggregate classification (germline): Conflicting classifications of pathogenicity. Review status: criteria provided, conflicting classifications (1 of 4 stars). 3 submissions from 3 submitters: Uncertain significance (1); Likely benign (2). Last evaluated 2025-07-20.

Conditions:
Cardiovascular phenotype. Identifiers: MedGen CN230736.
Dilated cardiomyopathy 1JJ (CMD1JJ). Identifiers: Orphanet 154, MedGen C3808935, MONDO:0014095, OMIM 615235.
Primary dilated cardiomyopathy (DCM). Also called: Dilated Cardiomyopathy. Identifiers: Orphanet 217604, MedGen C0007193, MeSH D002311, MONDO:0005021, HP:0001644. Inheritance: Various modes of inheritance.

Allele frequency attached by ClinVar (database versions not stated): gnomAD 0.00001; TOPMed 0.00002; gnomAD exomes 0.00004; ExAC 0.00006; ESP Exome Variant Server 0.00008.
gnomAD v4.1: 29 of 1,589,360 alleles (0.0018%); highest among the groups gnomAD compares: Middle Eastern, 0.083%; no homozygotes.

Submissions (3):

Labcorp Genetics (formerly Invitae), Labcorp
Classification: Uncertain significance for Dilated cardiomyopathy 1JJ. Last evaluated: 2025-07-20. Review status: criteria provided, single submitter. Criteria: Invitae Variant Classification Sherloc (09022015). Collection method: clinical testing. Allele origin: germline.
Comment: This sequence change replaces alanine, which is neutral and non-polar, with valine, which is neutral and non-polar, at codon 63 of the LAMA4 protein (p.Ala63Val). This variant is present in population databases (rs370868386, gnomAD 0.005%). This variant has not been reported in the literature in individuals affected with LAMA4-related conditions. ClinVar contains an entry for this variant (Variation ID: 978755). An algorithm developed to predict the effect of missense changes on protein structure and function outputs the following: PolyPhen-2: "Benign". The valine amino acid residue is found in multiple mammalian species, which suggests that this missense change does not adversely affect protein function. In summary, the available evidence is currently insufficient to determine the role of this variant in disease. Therefore, it has been classified as a Variant of Uncertain Significance.

Ambry Genetics
Classification: Likely benign for Cardiovascular phenotype. Last evaluated: 2024-03-20. Review status: criteria provided, single submitter. Criteria: Ambry Variant Classification Scheme 2023. Collection method: clinical testing. Allele origin: germline.

Genetics and Genomics Program, Sidra Medicine
Classification: Likely benign for Primary dilated cardiomyopathy. Review status: criteria provided, single submitter. Criteria: ACMG Guidelines, 2015. Collection method: research. Allele origin: unknown. Affected: yes. Observed: 1 variant allele.